The following is an entry in ClinVar:

NM_032043.3(BRIP1):c.677G>A (p.Ser226Asn)

Gene: BRIP1 (BRCA1 interacting DNA helicase 1; minus strand). Cytogenetic location: 17q23.2.
Variant type: single nucleotide variant.
Coding change: c.677G>A on transcript NM_032043.3 (MANE Select); coding-DNA position 677, G replaced by A.
Protein change: p.Ser226Asn; replaces serine 226 with asparagine.
Molecular consequence: missense variant.
Genome position (GRCh38, 1-based): chr17:61,808,708, C>T on the plus strand (G>A on the coding strand, the complement: BRIP1 is on the minus strand). VCF-style: chr17-61808708-C-T. GRCh37 (hg19) VCF-style: chr17-59886069-C-T.
Other names: short protein forms S226N.
Identifiers: ClinVar variation 935678 (VCV000935678.12), dbSNP rs2078115717, ClinGen allele CA400485150.

ClinVar aggregate classification (germline): Uncertain significance. Review status: criteria provided, multiple submitters, no conflicts (2 of 4 stars). 2 submissions from 2 submitters: Uncertain significance (2). Last evaluated 2022-11-09.

Conditions:
Hereditary cancer-predisposing syndrome. Also called: Tumor predisposition; Hereditary neoplastic syndrome; Neoplastic Syndromes, Hereditary; Hereditary Cancer Syndrome. Identifiers: Orphanet 140162, MedGen C0027672, MeSH D009386, MONDO:0015356.
Familial cancer of breast. Also called: hereditary breast carcinoma; BREAST CANCER, FAMILIAL; Hereditary breast cancer. Identifiers: Orphanet 227535, MedGen C0346153, MONDO:0016419, OMIM 114480. Disease mechanism: loss of function.
Fanconi anemia complementation group J. Also called: BRIP1-Related Fanconi Anemia. Identifiers: Orphanet 84, MedGen C1836860, MONDO:0012187, OMIM 609054.

Allele frequency attached by ClinVar (database versions not stated): gnomAD exomes below 0.00001.
gnomAD v4.1: 1 of 1,613,886 alleles (0.000062%); highest among the groups gnomAD compares: South Asian, 0.0011%; no homozygotes.

Submissions (2):

Ambry Genetics
Classification: Uncertain significance for Hereditary cancer-predisposing syndrome. Last evaluated: 2022-11-09. Review status: criteria provided, single submitter. Criteria: Ambry Variant Classification Scheme 2023. Collection method: clinical testing. Allele origin: germline.
Comment: The p.S226N variant (also known as c.677G>A), located in coding exon 6 of the BRIP1 gene, results from a G to A substitution at nucleotide position 677. The serine at codon 226 is replaced by asparagine, an amino acid with highly similar properties. This amino acid position is not well conserved in available vertebrate species. In addition, this alteration is predicted to be tolerated by in silico analysis.Since supporting evidence is limited at this time, the clinical significance of this alteration remains unclear.

Labcorp Genetics (formerly Invitae), Labcorp
Classification: Uncertain significance for Familial cancer of breast; Fanconi anemia complementation group J. Last evaluated: 2019-09-03. Review status: criteria provided, single submitter. Criteria: Invitae Variant Classification Sherloc (09022015). Collection method: clinical testing. Allele origin: germline.
Comment: In summary, the available evidence is currently insufficient to determine the role of this variant in disease. Therefore, it has been classified as a Variant of Uncertain Significance. Algorithms developed to predict the effect of missense changes on protein structure and function output the following: SIFT: "Tolerated"; PolyPhen-2: "Benign"; Align-GVGD: "Class C0". The asparagine amino acid residue is found in multiple mammalian species, suggesting that this missense change does not adversely affect protein function. These predictions have not been confirmed by published functional studies and their clinical significance is uncertain. This variant has not been reported in the literature in individuals with BRIP1-related conditions. This variant is not present in population databases (ExAC no frequency). This sequence change replaces serine with asparagine at codon 226 of the BRIP1 protein (p.Ser226Asn). The serine residue is weakly conserved and there is a small physicochemical difference between serine and asparagine.